The following is an entry in ClinVar:

ClinVar aggregate classification (germline): Benign/Likely benign. Review status: criteria provided, multiple submitters, no conflicts (2 of 4 stars). 12 submissions from 10 submitters: Benign (10); Likely benign (2). Last evaluated 2026-02-02.

Conditions:
King Denborough syndrome (KDS). Identifiers: MedGen C1840365, MONDO:0020485, OMIM 619542.
Central core myopathy (CMYO1A). Also called: Central core disease; Myopathy, central fibrillar; CONGENITAL MYOPATHY 1A, AUTOSOMAL DOMINANT, WITH SUSCEPTIBILITY TO MALIGNANT HYPERTHERMIA. Identifiers: Orphanet 597, MedGen C5830701, MONDO:0007294, OMIM 117000.
Congenital myopathy with fiber type disproportion. Also called: Congenital fiber-type disproportion myopathy; Congenital fiber-type disproportion. Identifiers: Orphanet 2020, MedGen C0546264, MONDO:0009711. Inheritance: all.
Malignant hyperthermia, susceptibility to, 1 (MHS1). Also called: RYR1-Related Malignant Hyperthermia Susceptibility; Anesthesia related hyperthermia; Malignant hyperpyrexia; Fulminating hyperpyrexia; Pharmacogenic myopathy; Malignant hyperthermia suceptibility 1. Identifiers: Orphanet 423, MedGen C2930980, MONDO:0007783, OMIM 145600.
Congenital multicore myopathy with external ophthalmoplegia (CMYO1B). Also called: Congenital myopathy 1B, autosomal recessive; Minicore myopathy; Minicore myopathy with external ophthalmoplegia; MULTICORE MYOPATHY; MULTIMINICORE DISEASE WITH EXTERNAL OPHTHALMOPLEGIA. Identifiers: Orphanet 598, Orphanet 98905, MedGen C1850674, MONDO:0009712, OMIM 255320, HP:0003789.
RYR1-related disorder. Also called: RYR1-related condition; RYR1-related disorders. Identifiers: MedGen CN239331.

Allele frequency attached by ClinVar (database versions not stated): gnomAD exomes 0.00063 and 0.00176; ExAC 0.00209; gnomAD 0.00648 and 0.00691; ESP Exome Variant Server 0.00661; TOPMed 0.00753; 1000 Genomes Project 30x 0.00812; 1000 Genomes Project 0.00819.
gnomAD v4.1: 1,949 of 1,614,152 alleles (0.12%); highest among the groups gnomAD compares: African/African-American, 2.2%; 11 homozygotes.

Submissions (12):

Labcorp Genetics (formerly Invitae), Labcorp
Classification: Benign for RYR1-related disorder. Last evaluated: 2026-02-02. Review status: criteria provided, single submitter. Criteria: Invitae Variant Classification Sherloc (09022015). Collection method: clinical testing. Allele origin: germline.

Blueprint Genetics
Classification: Likely benign. Last evaluated: 2024-10-29. Review status: criteria provided, single submitter. Criteria: ACMG Guidelines, 2015. Collection method: clinical testing. Allele origin: germline.

Mayo Clinic Laboratories, Mayo Clinic
Classification: Benign. Last evaluated: 2024-02-14. Review status: criteria provided, single submitter. Criteria: ACMG Guidelines, 2015. Collection method: clinical testing. Allele origin: germline. Observed: 7 variant alleles.
Comment: BS1, BS2, BP4, BP7

All of Us Research Program, National Institutes of Health
Classification: Benign for Malignant hyperthermia, susceptibility to, 1. Last evaluated: 2024-02-05. Review status: criteria provided, single submitter. Criteria: ACMG Guidelines, 2015. Collection method: clinical testing. Allele origin: germline. Inheritance: Autosomal dominant inheritance. Observed: 374 variant alleles, 369 heterozygotes, 5 homozygotes.
Comment: This study involves interpretation of variants in research participants for the purpose of population health screening. Participant phenotype was not available at the time of variant classification. Additional details can be found in publication PMID: 35346344, PMCID: PMC8962531

Color Diagnostics, LLC DBA Color Health
Classification: Benign for Malignant hyperthermia, susceptibility to, 1. Last evaluated: 2022-10-20. Review status: criteria provided, single submitter. Criteria: ACMG Guidelines, 2015. Collection method: clinical testing. Allele origin: germline.

Fulgent Genetics
Classification: Likely benign for Central core myopathy; Malignant hyperthermia, susceptibility to, 1; Congenital myopathy 4A, autosomal dominant; Congenital multicore myopathy with external ophthalmoplegia; King Denborough syndrome. Last evaluated: 2021-10-08. Review status: criteria provided, single submitter. Criteria: ACMG Guidelines, 2015. Collection method: clinical testing. Allele origin: unknown.

PreventionGenetics, part of Exact Sciences
Classification: Benign. Last evaluated: 2018-03-13. Review status: criteria provided, single submitter. Criteria: ACMG Guidelines, 2015. Collection method: clinical testing. Allele origin: germline.

GeneDx
Classification: Benign. Last evaluated: 2018-01-25. Review status: criteria provided, single submitter. Criteria: GeneDx Variant Classification (06012015). Collection method: clinical testing. Allele origin: germline. Affected: yes.
Comment: This variant is considered likely benign or benign based on one or more of the following criteria: it is a conservative change, it occurs at a poorly conserved position in the protein, it is predicted to be benign by multiple in silico algorithms, and/or has population frequency not consistent with disease.

Illumina Laboratory Services, Illumina
Classification: Benign for Malignant hyperthermia, susceptibility to, 1. Last evaluated: 2018-01-12. Review status: criteria provided, single submitter. Criteria: ICSL Variant Classification Criteria 13 December 2019. Collection method: clinical testing. Allele origin: germline.
Comment: This variant was observed in the ICSL laboratory as part of a predisposition screen in an ostensibly healthy population. It had not been previously curated by ICSL or reported in the Human Gene Mutation Database (HGMD: prior to June 1st, 2018), and was therefore a candidate for classification through an automated scoring system. Utilizing variant allele frequency, disease prevalence and penetrance estimates, and inheritance mode, an automated score was calculated to assess if this variant is too frequent to cause the disease. Based on the score and internal cut-off values, a variant classified as benign is not then subjected to further curation. The score for this variant resulted in a classification of benign for this disease.

Illumina Laboratory Services, Illumina
Classification: Benign for Congenital multicore myopathy with external ophthalmoplegia. Last evaluated: 2018-01-12. Review status: criteria provided, single submitter. Criteria: ICSL Variant Classification Criteria 13 December 2019. Collection method: clinical testing. Allele origin: germline.
Comment: the same text as in the submission from Illumina Laboratory Services, Illumina above.

Illumina Laboratory Services, Illumina
Classification: Benign for Central core myopathy. Last evaluated: 2018-01-12. Review status: criteria provided, single submitter. Criteria: ICSL Variant Classification Criteria 13 December 2019. Collection method: clinical testing. Allele origin: germline.
Comment: the same text as in the submission from Illumina Laboratory Services, Illumina above.

Eurofins Ntd Llc (ga)
Classification: Benign. Last evaluated: 2014-07-10. Review status: criteria provided, single submitter. Criteria: EGL Classification Definitions 2015. Collection method: clinical testing. Allele origin: germline. Observed: 1 variant allele, 1 heterozygote.

NM_000540.3(RYR1):c.6498C>T (p.Leu2166=)

Gene: RYR1 (ryanodine receptor 1; plus strand). Cytogenetic location: 19q13.2.
Variant type: single nucleotide variant.
Coding change: c.6498C>T on transcript NM_000540.3 (MANE Select); coding-DNA position 6498, C replaced by T.
Protein change: p.Leu2166=; no amino-acid change (leucine 2166 retained).
Molecular consequence: synonymous variant.
Genome position (GRCh38, 1-based): chr19:38,494,575, C>T. VCF-style: chr19-38494575-C-T. GRCh37 (hg19) VCF-style: chr19-38985215-C-T.
Other names: p.Leu2166=; c.6498C>T, p.Leu2166= (NM_001042723.2).
Identifiers: ClinVar variation 197057 (VCV000197057.27), dbSNP rs151313865, ClinGen allele CA024599.